The following is an entry in ClinVar:

NM_003579.4(RAD54L):c.1061A>G (p.Lys354Arg)

Gene: RAD54L (RAD54 like; plus strand). Cytogenetic location: 1p34.1.
Variant type: single nucleotide variant.
Coding change: c.1061A>G on transcript NM_003579.4 (MANE Select); coding-DNA position 1061, A replaced by G.
Protein change: p.Lys354Arg; replaces lysine 354 with arginine.
Molecular consequence: missense variant.
Genome position (GRCh38, 1-based): chr1:46,270,677, A>G. VCF-style: chr1-46270677-A-G. GRCh37 (hg19) VCF-style: chr1-46736349-A-G.
Other names: c.1061A>G, p.Lys354Arg (NM_001142548.2); c.521A>G, p.Lys174Arg (NM_001370766.1); short protein forms K174R, K354R.
Identifiers: ClinVar variation 1780291 (VCV001780291.2), dbSNP rs2525700756, ClinGen allele CA340174411.

ClinVar aggregate classification (germline): Uncertain significance (1 of 4 stars; one submission).

Allele frequency attached by ClinVar (database versions not stated): gnomAD exomes below 0.00001.
gnomAD v4.1: 1 of 1,614,222 alleles (0.000062%); highest among the groups gnomAD compares: Non-Finnish European, 0.000085%; no homozygotes.

Submission:

Ambry Genetics
Classification: Uncertain significance. Last evaluated: 2022-10-24. Review status: criteria provided, single submitter. Criteria: Ambry Variant Classification Scheme 2023. Collection method: clinical testing. Allele origin: germline.
Comment: The p.K354R variant (also known as c.1061A>G), located in coding exon 10 of the RAD54L gene, results from an A to G substitution at nucleotide position 1061. The lysine at codon 354 is replaced by arginine, an amino acid with highly similar properties. This amino acid position is conserved. In addition, the in silico prediction for this alteration is inconclusive. Since supporting evidence is limited at this time, the clinical significance of this alteration remains unclear.